The following is an entry in ClinVar:

ClinVar aggregate classification (germline): Uncertain significance (1 of 4 stars; one submission).

Conditions:
Desbuquois dysplasia 1 (DBQD1). Also called: MICROMELIC DWARFISM WITH VERTEBRAL AND METAPHYSEAL ABNORMALITIES AND ADVANCED CARPOTARSAL OSSIFICATION; DESBUQUOIS DYSPLASIA 1, KIM VARIANT. Identifiers: Orphanet 1425, MedGen C4012146, MONDO:0009629, OMIM 251450.

Submission:

Labcorp Genetics (formerly Invitae), Labcorp
Classification: Uncertain significance for Desbuquois dysplasia 1. Last evaluated: 2022-07-30. Review status: criteria provided, single submitter. Criteria: Invitae Variant Classification Sherloc (09022015). Collection method: clinical testing. Allele origin: germline.
Comment: This variant is present in population databases (rs751154302, gnomAD 0.006%). This sequence change replaces histidine, which is basic and polar, with tyrosine, which is neutral and polar, at codon 541 of the XYLT1 protein (p.His541Tyr). This variant has not been reported in the literature in individuals affected with XYLT1-related conditions. In summary, the available evidence is currently insufficient to determine the role of this variant in disease. Therefore, it has been classified as a Variant of Uncertain Significance. Algorithms developed to predict the effect of missense changes on protein structure and function (SIFT, PolyPhen-2, Align-GVGD) all suggest that this variant is likely to be tolerated.

NM_022166.4(XYLT1):c.1621C>T (p.His541Tyr)

Genes: XYLT1 (xylosyltransferase 1; minus strand), LOC102723692 (uncharacterized LOC102723692; plus strand). Cytogenetic location: 16p12.3.
Variant type: single nucleotide variant.
Coding change: c.1621C>T on transcript NM_022166.4 (MANE Select); coding-DNA position 1621, C replaced by T.
Protein change: p.His541Tyr; replaces histidine 541 with tyrosine.
Molecular consequence: missense variant. On other transcripts: non-coding transcript variant (1).
Genome position (GRCh38, 1-based): chr16:17,138,498, G>A on the plus strand (C>T on the coding strand, the complement: XYLT1 is on the minus strand). VCF-style: chr16-17138498-G-A. GRCh37 (hg19) VCF-style: chr16-17232355-G-A.
Other names: short protein forms H541Y.
Identifiers: ClinVar variation 1987513 (VCV001987513.4), dbSNP rs751154302, ClinGen allele CA7927836.